The following is an entry in ClinVar:

NM_015443.4(KANSL1):c.3082G>C (p.Asp1028His)

Gene: KANSL1 (KAT8 regulatory NSL complex subunit 1). Cytogenetic location: 17q21.31.
Variant type: single nucleotide variant.
Coding change: c.3082G>C on transcript NM_015443.4 (MANE Select); coding-DNA position 3082, G replaced by C.
Protein change: p.Asp1028His; replaces aspartic acid 1028 with histidine.
Molecular consequence: missense variant.
Genome position (GRCh38, 1-based): chr17:46,032,055, C>G on the plus strand (G>C on the coding strand, the complement: KANSL1 is on the minus strand). VCF-style: chr17-46032055-C-G. GRCh37 (hg19) VCF-style: chr17-44109421-C-G.
Other names: p.D1028H:GAT>CAT; c.3079G>C, p.Asp1027His (NM_001193465.2); c.3082G>C, p.Asp1028His (NM_001193466.2, NM_001379198.1); short protein forms D1028H, D1027H.
Identifiers: ClinVar variation 205752 (VCV000205752.10), dbSNP rs765297359, ClinGen allele CA315132.
Genomic context (GRCh38, chr17:46,032,055, plus strand): 5'-CTGGTTCCATCCCCCAACCATGCCAACCCCACCCAAAGGCTGCGTCCCTTACCTGTTCAT[C>G]CAGCCCCAGCTCTGGTGTGGAACAACGGGTATCCTCACTGGCTAAGTGTCGCGGAGTGTC-3'
Protein context (NP_056258.1, residues 1018-1038): TRCSTPELGL[Asp1028His]EQSVQPWERR

ClinVar aggregate classification (germline): Benign/Likely benign. Review status: criteria provided, multiple submitters, no conflicts (2 of 4 stars). 4 submissions from 4 submitters: Benign (1); Likely benign (3). Last evaluated 2025-09-08.

Conditions:
Inborn genetic diseases. Identifiers: MedGen C0950123, MeSH D030342.
Koolen-de Vries syndrome (KDVS). Identifiers: Orphanet 96169, MedGen C1864871, MONDO:0012496, OMIM 610443.

Allele frequency attached by ClinVar (database versions not stated): ExAC 0.00002; gnomAD exomes 0.00002; TOPMed 0.00002; gnomAD 0.00003.
gnomAD v4.1: 27 of 1,614,186 alleles (0.0017%); highest among the groups gnomAD compares: Non-Finnish European, 0.0023%; no homozygotes.

Submissions (4):

Labcorp Genetics (formerly Invitae), Labcorp
Classification: Benign for Koolen-de Vries syndrome. Last evaluated: 2025-09-08. Review status: criteria provided, single submitter. Criteria: Invitae Variant Classification Sherloc (09022015). Collection method: clinical testing. Allele origin: germline.

Ambry Genetics
Classification: Likely benign for Inborn genetic diseases. Last evaluated: 2025-08-01. Review status: criteria provided, single submitter. Criteria: Ambry Variant Classification Scheme 2023. Collection method: clinical testing. Allele origin: germline.

Blueprint Genetics
Classification: Likely benign. Last evaluated: 2024-06-25. Review status: criteria provided, single submitter. Criteria: ACMG Guidelines, 2015. Collection method: clinical testing. Allele origin: germline.

GeneDx
Classification: Likely benign. Last evaluated: 2015-01-17. Review status: criteria provided, single submitter. Criteria: GeneDx Variant Classification (06012015). Collection method: clinical testing. Allele origin: germline. Affected: yes.
Comment: This variant is considered likely benign or benign based on one or more of the following criteria: it is a conservative change, it occurs at a poorly conserved position in the protein, it is predicted to be benign by multiple in silico algorithms, and/or has population frequency not consistent with disease.